The following is an entry in ClinVar:

NM_002863.5(PYGL):c.281G>A (p.Arg94Gln)

Gene: PYGL (glycogen phosphorylase L; minus strand). Cytogenetic location: 14q22.1.
Variant type: single nucleotide variant.
Coding change: c.281G>A on transcript NM_002863.5 (MANE Select); coding-DNA position 281, G replaced by A.
Protein change: p.Arg94Gln; replaces arginine 94 with glutamine.
Molecular consequence: missense variant. On other transcripts: intron variant (1).
Genome position (GRCh38, 1-based): chr14:50,937,800, C>T on the plus strand (G>A on the coding strand, the complement: PYGL is on the minus strand). VCF-style: chr14-50937800-C-T. GRCh37 (hg19) VCF-style: chr14-51404518-C-T.
Other names: c.244-2615G>A (NM_001163940.2); short protein forms R94Q.
Identifiers: ClinVar variation 2158167 (VCV002158167.4), dbSNP rs751894444, ClinGen allele CA7183856.

ClinVar aggregate classification (germline): Uncertain significance (1 of 4 stars; one submission).

Conditions:
Glycogen storage disease, type VI (GSD6). Also called: Glycogen storage disease type 6, due to phosphorylation; GSD VI; Glycogen storage disease type 6; Hepatic glycogen phosphorylase deficiency; HERS DISEASE; PHOSPHORYLASE DEFICIENCY GLYCOGEN-STORAGE DISEASE OF LIVER. Identifiers: Orphanet 369, MedGen C0017925, MONDO:0009294, OMIM 232700.

Allele frequency attached by ClinVar (database versions not stated): gnomAD exomes 0.00001; ExAC 0.00002; gnomAD 0.00002; TOPMed 0.00002.
gnomAD v4.1: 21 of 1,613,848 alleles (0.0013%); highest among the groups gnomAD compares: Admixed American, 0.0017%; no homozygotes.

Submission:

Labcorp Genetics (formerly Invitae), Labcorp
Classification: Uncertain significance for Glycogen storage disease, type VI. Last evaluated: 2025-10-02. Review status: criteria provided, single submitter. Criteria: Invitae Variant Classification Sherloc (09022015). Collection method: clinical testing. Allele origin: germline.
Comment: This sequence change replaces arginine, which is basic and polar, with glutamine, which is neutral and polar, at codon 94 of the PYGL protein (p.Arg94Gln). This variant is present in population databases (rs751894444, gnomAD 0.004%). This variant has not been reported in the literature in individuals affected with PYGL-related conditions. ClinVar contains an entry for this variant (Variation ID: 2158167). Invitae Evidence Modeling of protein sequence and biophysical properties (such as structural, functional, and spatial information, amino acid conservation, physicochemical variation, residue mobility, and thermodynamic stability) indicates that this missense variant is not expected to disrupt PYGL protein function with a negative predictive value of 80%. In summary, the available evidence is currently insufficient to determine the role of this variant in disease. Therefore, it has been classified as a Variant of Uncertain Significance.